The following is an entry in ClinVar:

NM_001103.4(ACTN2):c.224T>G (p.Leu75Arg)

Gene: ACTN2 (actinin alpha 2; plus strand). Cytogenetic location: 1q43.
Variant type: single nucleotide variant.
Coding change: c.224T>G on transcript NM_001103.4 (MANE Select); coding-DNA position 224, T replaced by G.
Protein change: p.Leu75Arg; replaces leucine 75 with arginine.
Molecular consequence: missense variant. On other transcripts: 5 prime UTR variant (1).
Genome position (GRCh38, 1-based): chr1:236,717,955, T>G. VCF-style: chr1-236717955-T-G. GRCh37 (hg19) VCF-style: chr1-236881255-T-G.
Other names: c.224T>G, p.Leu75Arg (NM_001278343.2); c.-598T>G (NM_001278344.2); c.-723T>G (NM_001412150.1); short protein forms L75R.
Identifiers: ClinVar variation 1719186 (VCV001719186.6), dbSNP rs2527534937, ClinGen allele CA345373396.
Genomic context (GRCh38, chr1:236,717,955, plus strand): 5'-CCGGCACCCAGATTGAGAACATCGAGGAAGACTTCAGGAATGGCCTTAAGCTCATGCTGC[T>G]TTTGGAAGTCATCTCAGGTTGGTGTTATATATCCCATCCTATGCTTTCATGTGTTATCAG-3'
Protein context (NP_001094.1, residues 65-85): DFRNGLKLML[Leu75Arg]LEVISGERLP

ClinVar aggregate classification (germline): Uncertain significance (1 of 4 stars; one submission).

Conditions:
Primary familial hypertrophic cardiomyopathy (HCM). Identifiers: Orphanet 99739, MedGen C0949658, MeSH D024741, MONDO:0024573. Inheritance: Various modes of inheritance.
Dilated cardiomyopathy 1AA (CMD1AA). Also called: CARDIOMYOPATHY, DILATED, 1AA, WITH OR WITHOUT LEFT VENTRICULAR NONCOMPACTION; CARDIOMYOPATHY, FAMILIAL HYPERTROPHIC, 23, WITH OR WITHOUT LEFT VENTRICULAR NONCOMPACTION; Cardiomyopathy, dilated, 1AA, with or without LVNC. Identifiers: Orphanet 154, MedGen C2677338, MONDO:0012808, OMIM 612158.

Submission:

Labcorp Genetics (formerly Invitae), Labcorp
Classification: Uncertain significance for Primary familial hypertrophic cardiomyopathy; Dilated cardiomyopathy 1AA. Last evaluated: 2022-09-10. Review status: criteria provided, single submitter. Criteria: Invitae Variant Classification Sherloc (09022015). Collection method: clinical testing. Allele origin: germline.
Comment: This sequence change replaces leucine, which is neutral and non-polar, with arginine, which is basic and polar, at codon 75 of the ACTN2 protein (p.Leu75Arg). This variant is not present in population databases (gnomAD no frequency). This variant has not been reported in the literature in individuals affected with ACTN2-related conditions. Advanced modeling of protein sequence and biophysical properties (such as structural, functional, and spatial information, amino acid conservation, physicochemical variation, residue mobility, and thermodynamic stability) performed at Invitae indicates that this missense variant is expected to disrupt ACTN2 protein function. In summary, the available evidence is currently insufficient to determine the role of this variant in disease. Therefore, it has been classified as a Variant of Uncertain Significance.